The following is an entry in ClinVar:

NM_182972.3(IRF2BP2):c.510G>C (p.Glu170Asp)

Gene: IRF2BP2 (interferon regulatory factor 2 binding protein 2; minus strand). Cytogenetic location: 1q42.3.
Variant type: single nucleotide variant.
Coding change: c.510G>C on transcript NM_182972.3 (MANE Select); coding-DNA position 510, G replaced by C.
Protein change: p.Glu170Asp; replaces glutamic acid 170 with aspartic acid.
Molecular consequence: missense variant.
Genome position (GRCh38, 1-based): chr1:234,608,985, C>G on the plus strand (G>C on the coding strand, the complement: IRF2BP2 is on the minus strand). VCF-style: chr1-234608985-C-G. GRCh37 (hg19) VCF-style: chr1-234744731-C-G.
Other names: c.510G>C, p.Glu170Asp (NM_001077397.1); short protein forms E170D.
Identifiers: ClinVar variation 3726950 (VCV003726950.2).

ClinVar aggregate classification (germline): Uncertain significance (1 of 4 stars; one submission).

gnomAD v4.1: 3 of 1,353,230 alleles (0.00022%); highest among the groups gnomAD compares: Non-Finnish European, 0.00028%; no homozygotes.

Submission:

Labcorp Genetics (formerly Invitae), Labcorp
Classification: Uncertain significance. Last evaluated: 2024-12-09. Review status: criteria provided, single submitter. Criteria: Invitae Variant Classification Sherloc (09022015). Collection method: clinical testing. Allele origin: germline.
Comment: This sequence change replaces glutamic acid, which is acidic and polar, with aspartic acid, which is acidic and polar, at codon 170 of the IRF2BP2 protein (p.Glu170Asp). This variant is not present in population databases (gnomAD no frequency). This variant has not been reported in the literature in individuals affected with IRF2BP2-related conditions. An algorithm developed to predict the effect of missense changes on protein structure and function (PolyPhen-2) suggests that this variant is likely to be disruptive. In summary, the available evidence is currently insufficient to determine the role of this variant in disease. Therefore, it has been classified as a Variant of Uncertain Significance.